The following is an entry in ClinVar:

ClinVar aggregate classification (germline): Pathogenic (1 of 4 stars; one submission).

Conditions:
Arrhythmogenic right ventricular dysplasia 12. Also called: ARRHYTHMOGENIC RIGHT VENTRICULAR DYSPLASIA, FAMILIAL, 12. Identifiers: MedGen C1969081, MONDO:0012684, OMIM 611528.
Naxos disease (NXD). Also called: CARDIOMYOPATHY, ARRHYTHMOGENIC RIGHT VENTRICULAR, WITH SKIN, HAIR, AND NAIL ABNORMALITIES; KERATOSIS PALMOPLANTARIS WITH ARRHYTHMOGENIC CARDIOMYOPATHY; MAL DE NAXOS; PALMOPLANTAR KERATODERMA WITH ARRHYTHMOGENIC RIGHT VENTRICULAR CARDIOMYOPATHY AND WOOLLY HAIR; WOOLLY HAIR, PALMOPLANTAR KERATODERMA, AND CARDIAC ABNORMALITIES. Identifiers: Orphanet 34217, MedGen C1832600, MONDO:0011017, OMIM 601214.

Submission:

Labcorp Genetics (formerly Invitae), Labcorp
Classification: Pathogenic for Arrhythmogenic right ventricular dysplasia 12; Naxos disease. Last evaluated: 2024-01-06. Review status: criteria provided, single submitter. Criteria: Invitae Variant Classification Sherloc (09022015). Collection method: clinical testing. Allele origin: germline.
Comment: This sequence change creates a premature translational stop signal (p.Cys420Thrfs*9) in the JUP gene. It is expected to result in an absent or disrupted protein product. Loss-of-function variants in JUP are known to be pathogenic (PMID: 10902626). This variant is not present in population databases (gnomAD no frequency). This variant has not been reported in the literature in individuals affected with JUP-related conditions. For these reasons, this variant has been classified as Pathogenic.

Literature cited by the submitters: PubMed 10902626.

NM_002230.4(JUP):c.1258_1261del (p.Cys420fs)

Gene: JUP (junction plakoglobin; minus strand). Cytogenetic location: 17q21.2.
Variant type: Deletion.
Coding change: c.1258_1261del on transcript NM_002230.4 (MANE Select); coding-DNA positions 1258 to 1261, 4 bases deleted (TGCA; older notation c.1258_1261delTGCA).
Protein change: p.Cys420fs; shifts the reading frame from cysteine 420.
Molecular consequence: frameshift variant.
Genome position (GRCh38, 1-based): chr17:41,763,219-41,763,222, TGCA deleted on the plus strand (TGCA on the coding strand, the reverse complement: JUP is on the minus strand); deleting any 4 consecutive bases within chr17:41,763,219-41,763,224 gives the same sequence; the c. name uses the placement nearest the transcript's 3' end. VCF-style (leftmost placement, unchanged base first): chr17-41763218-TTGCA-T. GRCh37 (hg19) VCF-style: chr17-39919470-TTGCA-T.
Other names: c.1258_1261del, p.Cys420fs (NM_001352773.2, NM_001352774.2, NM_001352775.2 and 3 more transcripts); short protein forms C420fs.
Identifiers: ClinVar variation 2922001 (VCV002922001.3), dbSNP rs2544109573, ClinGen allele CA2740095331.